The following is an entry in ClinVar:

NM_152383.5(DIS3L2):c.1909G>T (p.Ala637Ser)

Gene: DIS3L2 (DIS3 like 3'-5' exoribonuclease 2; plus strand). Cytogenetic location: 2q37.1.
Variant type: single nucleotide variant.
Coding change: c.1909G>T on transcript NM_152383.5 (MANE Select); coding-DNA position 1909, G replaced by T.
Protein change: p.Ala637Ser; replaces alanine 637 with serine.
Molecular consequence: missense variant. On other transcripts: non-coding transcript variant (2), intron variant (1).
Genome position (GRCh38, 1-based): chr2:232,329,982, G>T. VCF-style: chr2-232329982-G-T. GRCh37 (hg19) VCF-style: chr2-233194692-G-T.
Other names: c.1582-13363G>T (NM_001257281.2); short protein forms A637S.
Identifiers: ClinVar variation 966826 (VCV000966826.10), dbSNP rs543360422, ClinGen allele CA350976283.

ClinVar aggregate classification (germline): Uncertain significance. Review status: criteria provided, multiple submitters, no conflicts (2 of 4 stars). 2 submissions from 2 submitters: Uncertain significance (2). Last evaluated 2025-08-31.

Conditions:
Inborn genetic diseases. Identifiers: MedGen C0950123, MeSH D030342.
Perlman syndrome (PRLMNS). Identifiers: Orphanet 2849, MedGen C0796113, MONDO:0009965, OMIM 267000.

gnomAD v4.1: 2 of 1,610,388 alleles (0.00012%); highest among the groups gnomAD compares: Non-Finnish European, 0.00017%; no homozygotes.

Submissions (2):

Ambry Genetics
Classification: Uncertain significance for Inborn genetic diseases. Last evaluated: 2025-08-31. Review status: criteria provided, single submitter. Criteria: Ambry Variant Classification Scheme 2023. Collection method: clinical testing. Allele origin: germline.

Labcorp Genetics (formerly Invitae), Labcorp
Classification: Uncertain significance for Perlman syndrome. Last evaluated: 2023-02-23. Review status: criteria provided, single submitter. Criteria: Invitae Variant Classification Sherloc (09022015). Collection method: clinical testing. Allele origin: germline.
Comment: In summary, the available evidence is currently insufficient to determine the role of this variant in disease. Therefore, it has been classified as a Variant of Uncertain Significance. Advanced modeling of protein sequence and biophysical properties (such as structural, functional, and spatial information, amino acid conservation, physicochemical variation, residue mobility, and thermodynamic stability) performed at Invitae indicates that this missense variant is not expected to disrupt DIS3L2 protein function. ClinVar contains an entry for this variant (Variation ID: 966826). This variant has not been reported in the literature in individuals affected with DIS3L2-related conditions. This variant is not present in population databases (gnomAD no frequency). This sequence change replaces alanine, which is neutral and non-polar, with serine, which is neutral and polar, at codon 637 of the DIS3L2 protein (p.Ala637Ser).